The following is an entry in ClinVar:

ClinVar aggregate classification (germline): Uncertain significance (1 of 4 stars; one submission).

Conditions:
Acute myeloid leukemia (AML). Also called: Leukemia, acute myeloid, somatic; Leukemia, acute myelogenous, somatic; Acute myeloid leukemia, adult; AML adult; Acute non-lymphocytic leukemia; Acute granulocytic leukemia. Identifiers: Orphanet 519, MedGen C0023467, MeSH D015470, MONDO:0018874, OMIM 601626, HP:0004808. Disease mechanism: Constitutively activated FLT3.

Submission:

Labcorp Genetics (formerly Invitae), Labcorp
Classification: Uncertain significance for Acute myeloid leukemia. Last evaluated: 2022-07-12. Review status: criteria provided, single submitter. Criteria: Invitae Variant Classification Sherloc (09022015). Collection method: clinical testing. Allele origin: germline.
Comment: In summary, the available evidence is currently insufficient to determine the role of this variant in disease. Therefore, it has been classified as a Variant of Uncertain Significance. Experimental studies and prediction algorithms are not available or were not evaluated, and the functional significance of this variant is currently unknown. ClinVar contains an entry for this variant (Variation ID: 1377034). This variant has not been reported in the literature in individuals affected with CEBPA-related conditions. The frequency data for this variant in the population databases is considered unreliable, as metrics indicate insufficient coverage at this position in the gnomAD database. This variant, c.394_414dup, results in the insertion of 7 amino acid(s) of the CEBPA protein (p.Gly132_Tyr138dup), but otherwise preserves the integrity of the reading frame.

NM_004364.5(CEBPA):c.394_414dup (p.Gly132_Tyr138dup)

Gene: CEBPA (CCAAT enhancer binding protein alpha; minus strand). Cytogenetic location: 19q13.11.
Variant type: Duplication.
Coding change: c.394_414dup on transcript NM_004364.5 (MANE Select); coding-DNA positions 394 to 414, 21 bases duplicated (GGCTGCGCGGCCGCCGGCTAC).
Protein change: p.Gly132_Tyr138dup.
Molecular consequence: inframe insertion.
Genome position (GRCh38, 1-based): chr19:33,302,001-33,302,021, GTAGCCGGCGGCCGCGCAGCC duplicated on the plus strand (GGCTGCGCGGCCGCCGGCTAC on the coding strand, the reverse complement: CEBPA is on the minus strand); duplicating any 21 consecutive bases within chr19:33,302,001-33,302,029 gives the same sequence; the c. name uses the placement nearest the transcript's 3' end. VCF-style (leftmost placement, unchanged base first): chr19-33302000-G-GGTAGCCGGCGGCCGCGCAGCC. GRCh37 (hg19) VCF-style: chr19-33792906-G-GGTAGCCGGCGGCCGCGCAGCC.
Other names: c.37_57dup, p.Gly13_Tyr19dup (NM_001285829.2); c.499_519dup, p.Gly167_Tyr173dup (NM_001287424.2); c.352_372dup, p.Gly118_Tyr124dup (NM_001287435.2).
Identifiers: ClinVar variation 1377034 (VCV001377034.9), dbSNP rs2145262280, ClinGen allele CA2573156217.